The following is an entry in ClinVar:

ClinVar aggregate classification (germline): Likely benign (1 of 4 stars; one submission).

gnomAD v4.1: 13 of 1,614,042 alleles (0.00081%); highest among the groups gnomAD compares: Middle Eastern, 0.033%; no homozygotes.

Submission:

CeGaT Center for Human Genetics Tuebingen
Classification: Likely benign. Last evaluated: 2026-05-01. Review status: criteria provided, single submitter. Criteria: CeGaT Center For Human Genetics Tuebingen Variant Classification Criteria Version 2. Collection method: clinical testing. Allele origin: germline. Affected: yes. Observed: 1 variant allele.
Comment: FASTKD2: BP4, BP7

NM_001136193.2(FASTKD2):c.630C>T (p.His210=)

Gene: FASTKD2 (FASTK mitochondrial RNA regulator 2; plus strand). Cytogenetic location: 2q33.3.
Variant type: single nucleotide variant.
Coding change: c.630C>T on transcript NM_001136193.2 (MANE Select); coding-DNA position 630, C replaced by T.
Protein change: p.His210=; no amino-acid change (histidine 210 retained).
Molecular consequence: synonymous variant.
Genome position (GRCh38, 1-based): chr2:206,767,323, C>T. VCF-style: chr2-206767323-C-T. GRCh37 (hg19) VCF-style: chr2-207632047-C-T.
Other names: c.630C>T, p.His210= (NM_001136194.2, NM_014929.4).
Identifiers: ClinVar variation 4872976 (VCV004872976.2).